The following is an entry in ClinVar:

ClinVar aggregate classification (germline): Uncertain significance. Review status: criteria provided, multiple submitters, no conflicts (2 of 4 stars). 2 submissions from 2 submitters: Uncertain significance (2). Last evaluated 2025-12-10.

Conditions:
Neuropathy, hereditary sensory and autonomic, type 2A (HSAN2A). Also called: NEUROPATHY, HEREDITARY SENSORY RADICULAR, AUTOSOMAL RECESSIVE; HSAN IIA; WNK1-Related HSAN2 (HSAN2A); ACROOSTEOLYSIS, GIACCAI TYPE; ACROOSTEOLYSIS, NEUROGENIC; MORVAN DISEASE. Identifiers: Orphanet 970, MedGen C2752089, MONDO:0024309, OMIM 201300.
Generalized epilepsy with febrile seizures plus, type 7 (GEFSP7). Also called: GEFS+, TYPE 7. Identifiers: Orphanet 36387, MedGen C2751778, MONDO:0013470, OMIM 613863.

Allele frequency attached by ClinVar (database versions not stated): gnomAD exomes below 0.00001; TOPMed below 0.00001; gnomAD 0.00001.
gnomAD v4.1: 4 of 1,613,860 alleles (0.00025%); highest among the groups gnomAD compares: Non-Finnish European, 0.00025%; no homozygotes.

Submissions (2):

Labcorp Genetics (formerly Invitae), Labcorp
Classification: Uncertain significance for Neuropathy, hereditary sensory and autonomic, type 2A; Generalized epilepsy with febrile seizures plus, type 7. Last evaluated: 2025-12-10. Review status: criteria provided, single submitter. Criteria: Invitae Variant Classification Sherloc (09022015). Collection method: clinical testing. Allele origin: germline.
Comment: This sequence change replaces arginine, which is basic and polar, with histidine, which is basic and polar, at codon 1611 of the SCN9A protein (p.Arg1611His). This variant is not present in population databases (gnomAD no frequency). This variant has not been reported in the literature in individuals affected with SCN9A-related conditions. ClinVar contains an entry for this variant (Variation ID: 1174263). Invitae Evidence Modeling of protein sequence and biophysical properties (such as structural, functional, and spatial information, amino acid conservation, physicochemical variation, residue mobility, and thermodynamic stability) indicates that this missense variant is not expected to disrupt SCN9A protein function with a negative predictive value of 80%. In summary, the available evidence is currently insufficient to determine the role of this variant in disease. Therefore, it has been classified as a Variant of Uncertain Significance.

GeneDx
Classification: Uncertain significance. Last evaluated: 2019-10-07. Review status: criteria provided, single submitter. Criteria: GeneDx Variant Classification (06012015). Collection method: clinical testing. Allele origin: germline. Affected: yes.
Comment: Not observed in large population cohorts (Lek et al., 2016); In silico analysis, which includes protein predictors and evolutionary conservation, supports a deleterious effect; Has not been previously published as pathogenic or benign to our knowledge

NM_001365536.1(SCN9A):c.4865G>A (p.Arg1622His)

Genes: SCN1A-AS1 (SCN1A and SCN9A antisense RNA 1; plus strand), SCN9A (sodium voltage-gated channel alpha subunit 9; minus strand). Cytogenetic location: 2q24.3.
Variant type: single nucleotide variant.
Coding change: c.4865G>A on transcript NM_001365536.1 (MANE Select); coding-DNA position 4865, G replaced by A.
Protein change: p.Arg1622His; replaces arginine 1622 with histidine.
Molecular consequence: missense variant. On other transcripts: non-coding transcript variant (1).
Genome position (GRCh38, 1-based): chr2:166,199,774, C>T on the plus strand (G>A on the coding strand, the complement: SCN9A is on the minus strand). VCF-style: chr2-166199774-C-T. GRCh37 (hg19) VCF-style: chr2-167056284-C-T.
Other names: c.4832G>A, p.Arg1611His (NM_002977.4); short protein forms R1611H, R1622H.
Identifiers: ClinVar variation 1174263 (VCV001174263.2), dbSNP rs1346697903, ClinGen allele CA349055360.